The following is an entry in ClinVar:

NM_000288.4(PEX7):c.539T>C (p.Leu180Pro)

Gene: PEX7 (peroxisomal biogenesis factor 7; plus strand). Cytogenetic location: 6q23.3.
Variant type: single nucleotide variant.
Coding change: c.539T>C on transcript NM_000288.4 (MANE Select); coding-DNA position 539, T replaced by C.
Protein change: p.Leu180Pro; replaces leucine 180 with proline.
Molecular consequence: missense variant.
Genome position (GRCh38, 1-based): chr6:136,866,639, T>C. VCF-style: chr6-136866639-T-C. GRCh37 (hg19) VCF-style: chr6-137187777-T-C.
Other names: c.425T>C, p.Leu142Pro (NM_001410945.1); short protein forms L142P, L180P.
Identifiers: ClinVar variation 2099333 (VCV002099333.4), dbSNP rs2548093666, ClinGen allele CA365762817.

ClinVar aggregate classification (germline): Uncertain significance (1 of 4 stars; one submission).

Conditions:
Peroxisome biogenesis disorder 9B. Also called: PEX7-Related Refsum Disease; Refsum disease, adult, 2; PEROXISOME BIOGENESIS DISORDER, PEX7-RELATED, ATYPICAL. Identifiers: Orphanet 773, MedGen C2749346, MONDO:0013945, OMIM 614879.

Submission:

Labcorp Genetics (formerly Invitae), Labcorp
Classification: Uncertain significance for Peroxisome biogenesis disorder 9B. Last evaluated: 2024-01-24. Review status: criteria provided, single submitter. Criteria: Invitae Variant Classification Sherloc (09022015). Collection method: clinical testing. Allele origin: germline.
Comment: This sequence change replaces leucine, which is neutral and non-polar, with proline, which is neutral and non-polar, at codon 180 of the PEX7 protein (p.Leu180Pro). This variant is not present in population databases (gnomAD no frequency). This variant has not been reported in the literature in individuals affected with PEX7-related conditions. ClinVar contains an entry for this variant (Variation ID: 2099333). An algorithm developed to predict the effect of missense changes on protein structure and function (PolyPhen-2) suggests that this variant is likely to be disruptive. In summary, the available evidence is currently insufficient to determine the role of this variant in disease. Therefore, it has been classified as a Variant of Uncertain Significance.